The following is an entry in ClinVar:

NM_007294.4(BRCA1):c.4357+1GT[2]

Gene: BRCA1 (BRCA1 DNA repair associated; minus strand). Cytogenetic location: 17q21.31.
Variant type: Microsatellite.
Coding change: c.4357+1GT[2] on transcript NM_007294.4 (MANE Select); two copies in a row of the 2-base unit GT starting at c.4357+1; the reference has three copies in a row; one copy, 2 bases deleted.
Molecular consequence: splice donor variant.
Genome position (GRCh38, 1-based): chr17:43,082,398-43,082,399, AC deleted on the plus strand (GT on the coding strand, the reverse complement: BRCA1 is on the minus strand); deleting any 2 consecutive bases within chr17:43,082,398-43,082,403 gives the same sequence; the position shown is the placement nearest the transcript's 3' end. VCF-style (leftmost placement, unchanged base first): chr17-43082397-TAC-T. GRCh37 (hg19) VCF-style: chr17-41234414-TAC-T.
Other names: c.784+1GT[2] (NM_001408496.1, NM_001408498.1, NM_001408501.1 and 3 more transcripts); c.4093+1GT[2] (NM_001407929.1, NM_001407924.1, NM_001407922.1 and 7 more transcripts); c.4213+1GT[2] (NM_001407750.1, NM_001407852.1, NM_001407747.1 and 23 more transcripts); c.4216+1GT[2] (NM_001407698.1, NM_001407732.1, NM_001407737.1 and 23 more transcripts); c.967+1GT[2] (NM_001408413.1, NM_001408416.1); c.907+1GT[2] (NM_001408460.1, NM_001408454.1, NM_001408458.1 and 8 more transcripts); c.4357+5_4357+6delGT (NM_007294.3); c.3469+1GT[2] (NM_001407967.1, NM_001407966.1); and 52 more.
Identifiers: ClinVar variation 219494 (VCV000219494.8), dbSNP rs864622119, ClinGen allele CA349513.
Genomic context (GRCh38, chr17:43,082,397, plus strand): 5'-CAGAAGGAGATAAAGGGGAAGGAAAGAATTTTGCTTAAGATATCAGTGTTTGGCCAACAA[TAC>T]ACACCTTTTTCTGATGTGCTTTGTTCTGGATTTCGCAGGTCCTCAAGGGCAGAAGAGTCA-3'

ClinVar aggregate classification (germline): Uncertain significance (1 of 4 stars; one submission).

Conditions:
Hereditary breast ovarian cancer syndrome. Also called: BRCA1- and BRCA2-Associated Hereditary Breast and Ovarian Cancer; Hereditary breast and ovarian cancer syndrome (HBOC); Hereditary breast and/or ovarian cancer syndrome; Hereditary breast and ovarian cancer syndrome; Hereditary breast and ovarian cancer; Breast and ovarian cancer. Identifiers: Orphanet 145, MedGen C0677776, MeSH D061325, MONDO:0003582. Disease mechanism: loss of function.

Submission:

Labcorp Genetics (formerly Invitae), Labcorp
Classification: Uncertain significance for Hereditary breast ovarian cancer syndrome. Last evaluated: 2015-07-10. Review status: criteria provided, single submitter. Criteria: Invitae Variant Classification Sherloc (09022015). Collection method: clinical testing. Allele origin: germline.
Comment: Nucleotide disruption at +5 position are relatively common causes of aberrant splicing (PMID: 17576681) but according to multiple splice site algorithms this particular variant is not predicted to significantly affect splicing. These predictions have not been confirmed by published functional studies. This variant has not been published in the literature and is not present in population databases. This sequence change falls in intron 12 of the BRCA1 mRNA. It does not directly change the encoded amino acid sequence of the BRCA1 protein. In summary, this is a novel intronic change with uncertain impact on splicing. It has been classified as a Variant of Uncertain Significance.

Literature cited by the submitters: PubMed 17576681.